The following is an entry in ClinVar:

ClinVar aggregate classification (germline): Likely benign. Review status: criteria provided, multiple submitters, no conflicts (2 of 4 stars). 5 submissions from 5 submitters: Likely benign (4). 1 of the submissions does not count toward it. Last evaluated 2025-08-18.

Conditions:
CILK1-related disorder. Also called: CILK1-related condition.

Allele frequency attached by ClinVar (database versions not stated): gnomAD exomes 0.00011 and 0.00030; ExAC 0.00032; 1000 Genomes Project 0.00120; gnomAD 0.00132 and 0.00143; ESP Exome Variant Server 0.00138; TOPMed 0.00158; 1000 Genomes Project 30x 0.00172.
gnomAD v4.1: 370 of 1,613,838 alleles (0.023%); highest among the groups gnomAD compares: African/African-American, 0.44%; 1 homozygote.

Submissions (5):

Labcorp Genetics (formerly Invitae), Labcorp
Classification: Likely benign. Last evaluated: 2025-08-18. Review status: criteria provided, single submitter. Criteria: Invitae Variant Classification Sherloc (09022015). Collection method: clinical testing. Allele origin: germline.

Women's Health and Genetics/Laboratory Corporation of America, LabCorp
Classification: Likely benign. Last evaluated: 2025-07-03. Review status: criteria provided, single submitter. Criteria: LabCorp Variant Classification Summary - May 2015. Collection method: clinical testing. Allele origin: germline.
Comment: Variant summary: CILK1 c.70A>G (p.Ile24Val) results in a conservative amino acid change in the encoded protein sequence. Algorithms developed to predict the effect of missense changes on protein structure and function are either unavailable or do not agree on the potential impact of this missense change. The variant allele was found at a frequency of 0.00042 in 282394 control chromosomes, predominantly at a frequency of 0.0046 within the African or African-American subpopulation in the gnomAD database. The observed variant frequency within African or African-American control individuals in the gnomAD database exceeds the estimated maximal expected allele frequency for a pathogenic variant in CILK1 causing CILK1-Related Disorders phenotype. To our knowledge, no occurrence of c.70A>G in individuals affected with CILK1-Related Disorders and no experimental evidence demonstrating its impact on protein function have been reported. ClinVar contains an entry for this variant (Variation ID: 1680572). Based on the evidence outlined above, the variant was classified as likely benign.

Blueprint Genetics
Classification: Likely benign. Last evaluated: 2023-11-14. Review status: criteria provided, single submitter. Criteria: ACMG Guidelines, 2015. Collection method: clinical testing. Allele origin: germline.

Ambry Genetics
Classification: Likely benign. Last evaluated: 2021-07-20. Review status: criteria provided, single submitter. Criteria: Ambry Variant Classification Scheme 2023. Collection method: clinical testing. Allele origin: germline.

PreventionGenetics, part of Exact Sciences
Classification: Likely benign for CILK1-related condition. Last evaluated: 2022-11-08. Review status: no assertion criteria provided. Collection method: clinical testing. Allele origin: germline. Not counted in ClinVar's aggregate classification.
Comment: This variant is classified as likely benign based on ACMG/AMP sequence variant interpretation guidelines (Richards et al. 2015 PMID: 25741868, with internal and published modifications).

NM_014920.5(CILK1):c.70A>G (p.Ile24Val)

Gene: CILK1 (ciliogenesis associated kinase 1; minus strand). Cytogenetic location: 6p12.1.
Variant type: single nucleotide variant.
Coding change: c.70A>G on transcript NM_014920.5 (MANE Select); coding-DNA position 70, A replaced by G.
Protein change: p.Ile24Val; replaces isoleucine 24 with valine.
Molecular consequence: missense variant. On other transcripts: non-coding transcript variant (1).
Genome position (GRCh38, 1-based): chr6:53,041,167, T>C on the plus strand (A>G on the coding strand, the complement: CILK1 is on the minus strand). VCF-style: chr6-53041167-T-C. GRCh37 (hg19) VCF-style: chr6-52905965-T-C.
Other names: c.70A>G, p.Ile24Val (NM_001375397.1, NM_001375398.1, NM_001375399.1 and 4 more transcripts); c.70A>G (NM_016513.4); short protein forms I24V.
Identifiers: ClinVar variation 1680572 (VCV001680572.14), dbSNP rs141369425, ClinGen allele CA3858903.